The following is an entry in ClinVar:

NM_001032283.3(TMPO):c.565+1186T>C

Gene: TMPO (thymopoietin; plus strand). Cytogenetic location: 12q23.1.
Variant type: single nucleotide variant.
Coding change: c.565+1186T>C on transcript NM_001032283.3 (MANE Select); 1186 bases into the intron after coding-DNA position 565, T replaced by C.
Molecular consequence: intron variant. On other transcripts: missense variant (1).
Genome position (GRCh38, 1-based): chr12:98,533,024, T>C. VCF-style: chr12-98533024-T-C. GRCh37 (hg19) VCF-style: chr12-98926802-T-C.
Other names: c.767T>C, p.Leu256Pro (NM_003276.2); c.565+1186T>C (NM_001307975.2, NM_001032284.3); short protein forms L256P.
Identifiers: ClinVar variation 4689539 (VCV004689539.1).

ClinVar aggregate classification (germline): Uncertain significance (1 of 4 stars; one submission).

Submission:

Women's Health and Genetics/Laboratory Corporation of America, LabCorp
Classification: Uncertain significance. Last evaluated: 2026-01-08. Review status: criteria provided, single submitter. Criteria: LabCorp Variant Classification Summary - May 2015. Collection method: clinical testing. Allele origin: germline.
Comment: Variant summary: TMPO c.767T>C (p.Leu256Pro) results in a non-conservative amino acid change in the encoded protein sequence. Algorithms developed to predict the effect of missense changes on protein structure and function are either unavailable or do not agree on the potential impact of this missense change. The variant was absent in 251010 control chromosomes. The available data on variant occurrences in the general population are insufficient to allow any conclusion about variant significance. To our knowledge, no occurrence of c.767T>C in individuals affected with TMPO-related conditions and no experimental evidence demonstrating its impact on protein function have been reported. No submitters have cited clinical-significance assessments for this variant to ClinVar. Based on the evidence outlined above, the variant was classified as uncertain significance.